The following is an entry in ClinVar:

NM_198859.4(PRICKLE2):c.352G>A (p.Val118Ile)

Gene: PRICKLE2 (prickle planar cell polarity protein 2; minus strand). Cytogenetic location: 3p14.1.
Variant type: single nucleotide variant.
Coding change: c.352G>A on transcript NM_198859.4 (MANE Select); coding-DNA position 352, G replaced by A.
Protein change: p.Val118Ile; replaces valine 118 with isoleucine.
Molecular consequence: missense variant.
Genome position (GRCh38, 1-based): chr3:64,159,984, C>T on the plus strand (G>A on the coding strand, the complement: PRICKLE2 is on the minus strand). VCF-style: chr3-64159984-C-T. GRCh37 (hg19) VCF-style: chr3-64145660-C-T.
Other names: c.352G>A, p.Val118Ile (NM_001370528.1); short protein forms V118I.
Identifiers: ClinVar variation 1442976 (VCV001442976.6), dbSNP rs2107039561, ClinGen allele CA353435394.
Genomic context (GRCh38, chr3:64,159,984, plus strand): 5'-CTGAATCCATGCTTACCTGTTCACAAATAGCTCCTGTCATGGTGACTGGGAAAGGCCTGA[C>T]ATTCCCGCGGCCCAAGTTTTCGCGTTTCCTCTGGCTGCTGAAAAGCTTCAGCTCCCTCTT-3'
Protein context (NP_942559.1, residues 108-128): RKRENLGRGN[Val118Ile]RPFPVTMTGA

ClinVar aggregate classification (germline): Uncertain significance (1 of 4 stars; one submission).

Conditions:
Progressive myoclonic epilepsy type 5. Identifiers: Orphanet 402082, MedGen C5190799.

Submission:

Labcorp Genetics (formerly Invitae), Labcorp
Classification: Uncertain significance for Progressive myoclonic epilepsy type 5. Last evaluated: 2023-08-24. Review status: criteria provided, single submitter. Criteria: Invitae Variant Classification Sherloc (09022015). Collection method: clinical testing. Allele origin: germline.
Comment: In summary, the available evidence is currently insufficient to determine the role of this variant in disease. Therefore, it has been classified as a Variant of Uncertain Significance. This variant has not been reported in the literature in individuals affected with PRICKLE2-related conditions. This variant is not present in population databases (gnomAD no frequency). This sequence change replaces valine, which is neutral and non-polar, with isoleucine, which is neutral and non-polar, at codon 118 of the PRICKLE2 protein (p.Val118Ile). ClinVar contains an entry for this variant (Variation ID: 1442976). An algorithm developed to predict the effect of missense changes on protein structure and function (PolyPhen-2) suggests that this variant is likely to be tolerated.